The following is an entry in ClinVar:

ClinVar aggregate classification (germline): Uncertain significance. Review status: criteria provided, multiple submitters, no conflicts (2 of 4 stars). 3 submissions from 3 submitters: Uncertain significance (3). Last evaluated 2023-12-21.

Allele frequency attached by ClinVar (database versions not stated): gnomAD 0.00001; gnomAD exomes 0.00002; TOPMed 0.00002; ExAC 0.00003; ESP Exome Variant Server 0.00008.
gnomAD v4.1: 20 of 1,613,004 alleles (0.0012%); highest among the groups gnomAD compares: Non-Finnish European, 0.0015%; no homozygotes.

Submissions (3):

Blueprint Genetics
Classification: Uncertain significance. Last evaluated: 2023-12-21. Review status: criteria provided, single submitter. Criteria: ACMG Guidelines, 2015. Collection method: clinical testing. Allele origin: germline.

Eurofins Ntd Llc (ga)
Classification: Uncertain significance. Last evaluated: 2018-05-08. Review status: criteria provided, single submitter. Criteria: EGL ClinVar v180209 classification definitions. Collection method: clinical testing. Allele origin: germline. Observed: 1 variant allele, 1 heterozygote.

GeneDx
Classification: Uncertain significance. Last evaluated: 2017-10-26. Review status: criteria provided, single submitter. Criteria: GeneDx Variant Classification (06012015). Collection method: clinical testing. Allele origin: germline. Affected: yes.
Comment: The L1466I variant has not been published as a pathogenic variant, nor has it been reported as a benign variant to our knowledge. The L1466I variant is observed in 5/110,870 (0.005%) alleles from individuals of European background (Lek et al., 2016). This variant is a conservative amino acid substitution, which is not likely to impact secondary protein structure as these residues share similar properties. However, this substitution occurs at a position that is conserved across species, and in silico analysis predicts this variant is probably damaging to the protein structure/function.

NM_001130987.2(DYSF):c.4450C>A (p.Leu1484Ile)

Gene: DYSF (dysferlin; plus strand). Cytogenetic location: 2p13.2.
Variant type: single nucleotide variant.
Coding change: c.4450C>A on transcript NM_001130987.2 (MANE Select); coding-DNA position 4450, C replaced by A.
Protein change: p.Leu1484Ile; replaces leucine 1484 with isoleucine.
Molecular consequence: missense variant.
Genome position (GRCh38, 1-based): chr2:71,613,396, C>A. VCF-style: chr2-71613396-C-A. GRCh37 (hg19) VCF-style: chr2-71840526-C-A.
Other names: c.4399C>A, p.Leu1467Ile (NM_001130455.2, NM_001130983.2); c.4354C>A, p.Leu1452Ile (NM_001130976.2, NM_001130977.2); c.4396C>A, p.Leu1466Ile (NM_001130978.2, NM_003494.4); c.4489C>A, p.Leu1497Ile (NM_001130979.2); c.4447C>A, p.Leu1483Ile (NM_001130980.2, NM_001130981.2); c.4492C>A, p.Leu1498Ile (NM_001130982.2); c.4357C>A, p.Leu1453Ile (NM_001130984.2, NM_001130986.2); c.4450C>A, p.Leu1484Ile (NM_001130985.2); short protein forms L1466I, L1484I, L1453I, L1483I, L1467I, L1497I, L1498I, L1452I.
Identifiers: ClinVar variation 453162 (VCV000453162.7), dbSNP rs375465887, ClinGen allele CA1707008.
Genomic context (GRCh38, chr2:71,613,396, plus strand): 5'-GATGTGAGCCTACTCAGTCCTGGGGAAGACGTGCTCATCGACATTGATGACAAGGAGCCC[C>A]TCATCCCCATCCAGGTAGGATGGGCATCCTCCAGGGAGGCCTGGGTCACCTTTCCCCTCC-3'
Protein context (NP_001124459.1, residues 1474-1494): VLIDIDDKEP[Leu1484Ile]IPIQLADGLS